The following is an entry in ClinVar:

NM_000181.4(GUSB):c.1337G>A (p.Trp446Ter)

Gene: GUSB (glucuronidase beta; minus strand). Cytogenetic location: 7q11.21.
Variant type: single nucleotide variant.
Coding change: c.1337G>A on transcript NM_000181.4 (MANE Select); coding-DNA position 1337, G replaced by A.
Protein change: p.Trp446Ter; replaces tryptophan 446 with a stop codon.
Molecular consequence: nonsense. On other transcripts: non-coding transcript variant (1).
Genome position (GRCh38, 1-based): chr7:65,974,349, C>T on the plus strand (G>A on the coding strand, the complement: GUSB is on the minus strand). VCF-style: chr7-65974349-C-T. GRCh37 (hg19) VCF-style: chr7-65439336-C-T.
Other names: c.899G>A, p.Trp300Ter (NM_001284290.2); c.767G>A, p.Trp256Ter (NM_001293104.2); c.680G>A, p.Trp227Ter (NM_001293105.2); short protein forms W446*, W256*, W300*, W227*.
Identifiers: ClinVar variation 495724 (VCV000495724.12), dbSNP rs1434169374, ClinGen allele CA367643462.

ClinVar aggregate classification (germline): Pathogenic. Review status: criteria provided, multiple submitters, no conflicts (2 of 4 stars). 3 submissions from 3 submitters: Pathogenic (3). Last evaluated 2025-12-02.

Conditions:
Mucopolysaccharidosis type 6 (MPS6). Also called: MPS 6; Maroteaux Lamy syndrome; N-ACETYLGALACTOSAMINE-4-SULFATASE DEFICIENCY; MPS VI; ARSB DEFICIENCY; ARYLSULFATASE B DEFICIENCY. Identifiers: Orphanet 583, MedGen C0026709, MONDO:0009661, OMIM 253200.
Mucopolysaccharidosis type 7 (MPS7). Also called: SLY SYNDROME; GUSB DEFICIENCY; MPS VII; BETA-GLUCURONIDASE DEFICIENCY. Identifiers: Orphanet 584, MedGen C0085132, MONDO:0009662, OMIM 253220.

Allele frequency attached by ClinVar (database versions not stated): gnomAD exomes below 0.00001; gnomAD 0.00001; TOPMed 0.00002.
gnomAD v4.1: 7 of 1,614,040 alleles (0.00043%); highest among the groups gnomAD compares: Middle Eastern, 0.016%; no homozygotes.

Submissions (3):

Labcorp Genetics (formerly Invitae), Labcorp
Classification: Pathogenic for Mucopolysaccharidosis type 7. Last evaluated: 2025-12-02. Review status: criteria provided, single submitter. Criteria: Invitae Variant Classification Sherloc (09022015). Collection method: clinical testing. Allele origin: germline.
Comment: This sequence change creates a premature translational stop signal (p.Trp446*) in the GUSB gene. It is expected to result in an absent or disrupted protein product. Loss-of-function variants in GUSB are known to be pathogenic (PMID: 19224584). This variant is not present in population databases (gnomAD no frequency). This premature translational stop signal has been observed in individual(s) with mucopolysaccharidosis type VII (MPS VII) (PMID: 9490302). ClinVar contains an entry for this variant (Variation ID: 495724). For these reasons, this variant has been classified as Pathogenic.

Fulgent Genetics
Classification: Pathogenic for Mucopolysaccharidosis type 7. Last evaluated: 2024-01-13. Review status: criteria provided, single submitter. Criteria: ACMG Guidelines, 2015. Collection method: clinical testing. Allele origin: germline.

Women's Health and Genetics/Laboratory Corporation of America, LabCorp
Classification: Pathogenic for Mucopolysaccharidosis type 6. Last evaluated: 2016-12-22. Review status: criteria provided, single submitter. Criteria: LabCorp Variant Classification Summary - May 2015. Collection method: clinical testing. Allele origin: germline.
Comment: Variant summary: The GUSB c.1337G>A (p.Trp446X) variant results in a premature termination codon, predicted to cause a truncated or absent GUSB protein due to nonsense mediated decay, which are commonly known mechanisms for disease. The variant of interest was not observed in controls (ExAC, 1000 Gs, or ESP), but has been reported in an affected individual who was a compound heterozygote. The variant, c.1338G>A, which causes the same nonsense mutation has been reported, however, the variant is located in a duplicate of Gs, therefore, depending on nomenclature used, it could be the exact same variant and since both variants cause the same nonsense mutation. OMIM cites the c.1338G>A variant as "pathogenic." Therefore, due to the nature of the variant and the nonsense being observed in an affected individual which had very limited Beta-glucuronidase enzyme activity, the variant of interest has been classified as "pathogenic."

Literature cited by the submitters: PubMed 19224584 (cited by Labcorp Genetics (formerly Invitae), Labcorp and Women's Health and Genetics/Laboratory Corporation of America, LabCorp); PubMed 9490302 (cited by Labcorp Genetics (formerly Invitae), Labcorp and Women's Health and Genetics/Laboratory Corporation of America, LabCorp); PubMed 9921904 (cited by Women's Health and Genetics/Laboratory Corporation of America, LabCorp).